The following is an entry in ClinVar:

ClinVar aggregate classification (germline): Uncertain significance (1 of 4 stars; one submission).

Conditions:
Primary ciliary dyskinesia. Also called: Ciliary dyskinesia. Identifiers: Orphanet 244, MedGen C0008780, MONDO:0016575, HP:0012265.

Submission:

Labcorp Genetics (formerly Invitae), Labcorp
Classification: Uncertain significance for Primary ciliary dyskinesia. Last evaluated: 2025-07-15. Review status: criteria provided, single submitter. Criteria: Invitae Variant Classification Sherloc (09022015). Collection method: clinical testing. Allele origin: germline.
Comment: This sequence change replaces tyrosine, which is neutral and polar, with phenylalanine, which is neutral and non-polar, at codon 687 of the DNAH11 protein (p.Tyr687Phe). This variant is not present in population databases (gnomAD no frequency). This variant has not been reported in the literature in individuals affected with DNAH11-related conditions. ClinVar contains an entry for this variant (Variation ID: 1976722). Invitae Evidence Modeling of protein sequence and biophysical properties (such as structural, functional, and spatial information, amino acid conservation, physicochemical variation, residue mobility, and thermodynamic stability) indicates that this missense variant is not expected to disrupt DNAH11 protein function with a negative predictive value of 95%. In summary, the available evidence is currently insufficient to determine the role of this variant in disease. Therefore, it has been classified as a Variant of Uncertain Significance.

NM_001277115.2(DNAH11):c.2060A>T (p.Tyr687Phe)

Gene: DNAH11 (dynein axonemal heavy chain 11; plus strand). Cytogenetic location: 7p15.3.
Variant type: single nucleotide variant.
Coding change: c.2060A>T on transcript NM_001277115.2 (MANE Select); coding-DNA position 2060, A replaced by T.
Protein change: p.Tyr687Phe; replaces tyrosine 687 with phenylalanine.
Molecular consequence: missense variant.
Genome position (GRCh38, 1-based): chr7:21,589,294, A>T. VCF-style: chr7-21589294-A-T. GRCh37 (hg19) VCF-style: chr7-21628912-A-T.
Other names: c.2060A>T, p.Tyr687Phe (NM_003777.3); short protein forms Y687F.
Identifiers: ClinVar variation 1976722 (VCV001976722.5), dbSNP rs372935096, ClinGen allele CA366940632.